The following is an entry in ClinVar:

ClinVar aggregate classification (germline): Pathogenic. Review status: criteria provided, single submitter (1 of 4 stars). 2 submissions from 2 submitters: Pathogenic (1). 1 of the submissions does not count toward it. Last evaluated 2024-12-12.

Conditions:
Hypertrophic cardiomyopathy 4. Also called: Familial hypertrophic cardiomyopathy 4. Identifiers: MedGen C1861862, MONDO:0007268, OMIM 115197.
Hypertrophic cardiomyopathy. Also called: HYPERTROPHIC MYOCARDIOPATHY. Identifiers: Orphanet 217569, MedGen C0007194, MeSH D002312, MONDO:0005045, HP:0001639.

Submissions (2):

Labcorp Genetics (formerly Invitae), Labcorp
Classification: Pathogenic for Hypertrophic cardiomyopathy. Last evaluated: 2024-12-12. Review status: criteria provided, single submitter. Criteria: Invitae Variant Classification Sherloc (09022015). Collection method: clinical testing. Allele origin: germline.
Comment: This sequence change creates a premature translational stop signal (p.Tyr525*) in the MYBPC3 gene. It is expected to result in an absent or disrupted protein product. Loss-of-function variants in MYBPC3 are known to be pathogenic (PMID: 19574547). This variant is not present in population databases (gnomAD no frequency). This variant has not been reported in the literature in individuals affected with MYBPC3-related conditions. ClinVar contains an entry for this variant (Variation ID: 2577002). For these reasons, this variant has been classified as Pathogenic.

ICMR Centre for Advanced Research and Excellence in Heart Failure, Sree Chitra Tirunal Institute for Medical Sciences & Technology, KERALA, INDIA
Classification: Pathogenic for Hypertrophic cardiomyopathy 4. Last evaluated: 2023-03-19. Review status: no assertion criteria provided. Collection method: clinical testing. Allele origin: germline. Affected: yes. Observed: 3 variant alleles. Not counted in ClinVar's aggregate classification.

Literature cited by the submitters: PubMed 19574547 (cited by Labcorp Genetics (formerly Invitae), Labcorp).

NM_000256.3(MYBPC3):c.1575_1588del (p.Tyr525_Ser530delinsTer)

Gene: MYBPC3 (myosin binding protein C3; minus strand). Cytogenetic location: 11p11.2.
Variant type: Deletion.
Coding change: c.1575_1588del on transcript NM_000256.3 (MANE Select); coding-DNA positions 1575 to 1588, 14 bases deleted (TGCACTGTGCACTA).
Protein change: p.Tyr525_Ser530delinsTer.
Molecular consequence: nonsense.
Genome position (GRCh38, 1-based): chr11:47,342,614-47,342,627, TAGTGCACAGTGCA deleted on the plus strand (TGCACTGTGCACTA on the coding strand, the reverse complement: MYBPC3 is on the minus strand); deleting any 14 consecutive bases within chr11:47,342,614-47,342,633 gives the same sequence; the c. name uses the placement nearest the transcript's 3' end. VCF-style (leftmost placement, unchanged base first): chr11-47342613-CTAGTGCACAGTGCA-C. GRCh37 (hg19) VCF-style: chr11-47364164-CTAGTGCACAGTGCA-C.
Identifiers: ClinVar variation 2577002 (VCV002577002.4), dbSNP rs2495762572, ClinGen allele CA2580615689.